The following is an entry in ClinVar:

ClinVar aggregate classification (germline): Uncertain significance. Review status: criteria provided, multiple submitters, no conflicts (2 of 4 stars). 3 submissions from 3 submitters: Uncertain significance (3). Last evaluated 2024-05-30.

Conditions:
Malignant hyperthermia, susceptibility to, 1 (MHS1). Also called: Malignant hyperthermia suceptibility 1; Anesthesia related hyperthermia; Malignant hyperpyrexia; Fulminating hyperpyrexia; Pharmacogenic myopathy; RYR1-Related Malignant Hyperthermia Susceptibility. Identifiers: Orphanet 423, MedGen C2930980, MONDO:0007783, OMIM 145600.
RYR1-related disorder. Also called: RYR1-related disorders; RYR1-related condition. Identifiers: MedGen CN239331.

Allele frequency attached by ClinVar (database versions not stated): TOPMed 0.00001.
gnomAD v4.1: 2 of 1,613,640 alleles (0.00012%); highest among the groups gnomAD compares: South Asian, 0.0011%; no homozygotes.

Submissions (3):

All of Us Research Program, National Institutes of Health
Classification: Uncertain significance for Malignant hyperthermia, susceptibility to, 1. Last evaluated: 2024-05-30. Review status: criteria provided, single submitter. Criteria: ACMG Guidelines, 2015. Collection method: clinical testing. Allele origin: germline. Inheritance: Autosomal dominant inheritance. Observed: 3 variant alleles, 3 heterozygotes.
Comment: This missense variant replaces arginine with glutamine at codon 4704 of the RYR1 protein. Computational prediction suggests that this variant may have deleterious impact on protein structure and function (internally defined REVEL score threshold >= 0.7, PMID: 27666373). To our knowledge, functional studies have not been reported for this variant. This variant has not been reported in individuals affected with RYR1-related disorders in the literature. This variant has not been identified in the general population by the Genome Aggregation Database (gnomAD). The available evidence is insufficient to determine the role of this variant in disease conclusively. Therefore, this variant is classified as a Variant of Uncertain Significance.

This study involves interpretation of variants in research participants for the purpose of population health screening. Participant phenotype was not available at the time of variant classification. Additional details can be found in publication PMID: 35346344, PMCID: PMC8962531

Color Diagnostics, LLC DBA Color Health
Classification: Uncertain significance for Malignant hyperthermia, susceptibility to, 1. Last evaluated: 2024-05-14. Review status: criteria provided, single submitter. Criteria: ACMG Guidelines, 2015. Collection method: clinical testing. Allele origin: germline.
Comment: This missense variant replaces arginine with glutamine at codon 4704 of the RYR1 protein. Computational prediction suggests that this variant may have deleterious impact on protein structure and function. To our knowledge, functional studies have not been reported for this variant. This variant has not been reported in individuals affected with RYR1-related disorders in the literature. This variant has not been identified in the general population by the Genome Aggregation Database (gnomAD). The available evidence is insufficient to determine the role of this variant in disease conclusively. Therefore, this variant is classified as a Variant of Uncertain Significance.

Labcorp Genetics (formerly Invitae), Labcorp
Classification: Uncertain significance for RYR1-related disorder. Last evaluated: 2023-10-30. Review status: criteria provided, single submitter. Criteria: Invitae Variant Classification Sherloc (09022015). Collection method: clinical testing. Allele origin: germline.
Comment: This sequence change replaces arginine, which is basic and polar, with glutamine, which is neutral and polar, at codon 4704 of the RYR1 protein (p.Arg4704Gln). This variant is not present in population databases (gnomAD no frequency). This variant has not been reported in the literature in individuals affected with RYR1-related conditions. Advanced modeling of protein sequence and biophysical properties (such as structural, functional, and spatial information, amino acid conservation, physicochemical variation, residue mobility, and thermodynamic stability) performed at Invitae indicates that this missense variant is expected to disrupt RYR1 protein function with a positive predictive value of 95%. In summary, the available evidence is currently insufficient to determine the role of this variant in disease. Therefore, it has been classified as a Variant of Uncertain Significance.

NM_000540.3(RYR1):c.14111G>A (p.Arg4704Gln)

Gene: RYR1 (ryanodine receptor 1; plus strand). Cytogenetic location: 19q13.2.
Variant type: single nucleotide variant.
Coding change: c.14111G>A on transcript NM_000540.3 (MANE Select); coding-DNA position 14111, G replaced by A.
Protein change: p.Arg4704Gln; replaces arginine 4704 with glutamine.
Molecular consequence: missense variant.
Genome position (GRCh38, 1-based): chr19:38,573,289, G>A. VCF-style: chr19-38573289-G-A. GRCh37 (hg19) VCF-style: chr19-39063929-G-A.
Other names: c.14096G>A, p.Arg4699Gln (NM_001042723.2); short protein forms R4699Q, R4704Q.
Identifiers: ClinVar variation 2914108 (VCV002914108.5), dbSNP rs1341205179, ClinGen allele CA405682571.
Genomic context (GRCh38, chr19:38,573,289, plus strand): 5'-TTGATGGCCTGTACATCACGGAGCAGCCTGAGGACGATGACGTGAAGGGGCAGTGGGACC[G>A]ACTGGTGCTCAACACGCCGTAAGGACCCAGCCCCCACCTCAGGGTGGCAGCAGGAGGGGA-3'
Protein context (NP_000531.2, residues 4694-4714): EDDDVKGQWD[Arg4704Gln]LVLNTPSFPS